The following is an entry in ClinVar:

NM_007294.4(BRCA1):c.5131A>C (p.Lys1711Gln)

Gene: BRCA1 (BRCA1 DNA repair associated; minus strand). Cytogenetic location: 17q21.31.
Variant type: single nucleotide variant.
Coding change: c.5131A>C on transcript NM_007294.4 (MANE Select); coding-DNA position 5131, A replaced by C.
Protein change: p.Lys1711Gln; replaces lysine 1711 with glutamine.
Molecular consequence: missense variant. On other transcripts: non-coding transcript variant (1).
Genome position (GRCh38, 1-based): chr17:43,063,895, T>G on the plus strand (A>C on the coding strand, the complement: BRCA1 is on the minus strand). VCF-style: chr17-43063895-T-G. GRCh37 (hg19) VCF-style: chr17-41215912-T-G.
Other names: c.1678A>C, p.Lys560Gln (NM_001408463.1, NM_001408458.1, NM_001408459.1 and 7 more transcripts); c.1618A>C, p.Lys540Gln (NM_001408475.1, NM_001408476.1); c.1612A>C, p.Lys538Gln (NM_001408478.1, NM_001408479.1, NM_001408480.1); c.1609A>C, p.Lys537Gln (NM_001408481.1, NM_001408482.1, NM_001408483.1 and 5 more transcripts); c.1558A>C, p.Lys520Gln (NM_001408498.1, NM_001408499.1, NM_001408500.1 and 3 more transcripts); c.1555A>C, p.Lys519Gln (NM_001408502.1, NM_001408503.1, NM_001408504.1); c.1552A>C, p.Lys518Gln (NM_001408505.1); c.1495A>C, p.Lys499Gln (NM_001408506.1); and 71 more; short protein forms K1711Q, K1732Q, K607Q, K1664Q, K1557Q, K1599Q, K1642Q, K1668Q.
Identifiers: ClinVar variation 409313 (VCV000409313.17), dbSNP rs886040272, ClinGen allele CA10591282.

ClinVar aggregate classification (germline): Conflicting classifications of pathogenicity. Review status: criteria provided, conflicting classifications (1 of 4 stars). 2 submissions from 2 submitters: Uncertain significance (1); Likely benign (1). Last evaluated 2024-09-26.

Conditions:
Hereditary cancer-predisposing syndrome. Also called: Neoplastic Syndromes, Hereditary; Hereditary neoplastic syndrome; Hereditary Cancer Syndrome; Tumor predisposition. Identifiers: Orphanet 140162, MedGen C0027672, MeSH D009386, MONDO:0015356.
Hereditary breast ovarian cancer syndrome. Also called: Hereditary breast and ovarian cancer syndrome; Breast and ovarian cancer; Hereditary breast and ovarian cancer syndrome (HBOC); Hereditary breast and/or ovarian cancer syndrome; BRCA1- and BRCA2-Associated Hereditary Breast and Ovarian Cancer; Hereditary breast and ovarian cancer. Identifiers: Orphanet 145, MedGen C0677776, MeSH D061325, MONDO:0003582. Disease mechanism: loss of function.

Allele frequency attached by ClinVar (database versions not stated): TOPMed below 0.00001; gnomAD 0.00001.
gnomAD v4.1: 1 of 1,613,902 alleles (0.000062%); highest among the groups gnomAD compares: Non-Finnish European, 0.000085%; no homozygotes.

Submissions (3):

Labcorp Genetics (formerly Invitae), Labcorp
Classification: Uncertain significance for Hereditary breast ovarian cancer syndrome. Last evaluated: 2024-09-26. Review status: criteria provided, single submitter. Criteria: Invitae Variant Classification Sherloc (09022015). Collection method: clinical testing. Allele origin: germline.
Comment: This sequence change replaces lysine, which is basic and polar, with glutamine, which is neutral and polar, at codon 1711 of the BRCA1 protein (p.Lys1711Gln). This variant is not present in population databases (gnomAD no frequency). This missense change has been observed in individual(s) with hereditary breast and ovarian cancer (PMID: 34981296). ClinVar contains an entry for this variant (Variation ID: 409313). Invitae Evidence Modeling incorporating data from in vitro experimental studies (PMID: 30209399) indicates that this missense variant is not expected to disrupt BRCA1 function with a negative predictive value of 95%. Experimental studies are conflicting or provide insufficient evidence to determine the effect of this variant on BRCA1 function (PMID: 30458859). In summary, the available evidence is currently insufficient to determine the role of this variant in disease. Therefore, it has been classified as a Variant of Uncertain Significance.

Ambry Genetics
Classification: Likely benign for Hereditary cancer-predisposing syndrome. Last evaluated: 2022-02-04. Review status: criteria provided, single submitter. Criteria: Ambry Variant Classification Scheme 2023. Collection method: clinical testing. Allele origin: germline.

Brotman Baty Institute, University of Washington
No classification provided (evidence only). Condition: Breast-ovarian cancer, familial 1. Review status: no classification provided. Collection method: in vitro. Allele origin: not applicable. Functional consequence: functionally_normal. Not counted in ClinVar's aggregate classification.
ClinVar note: "not provided" was previously submitted as the classification for the variant. However, the classification appeared to be based only on an observation of functional data so it was converted to no classification on 2025-07-30.

Literature cited by the submitters: PubMed 34981296 (cited by Labcorp Genetics (formerly Invitae), Labcorp); PubMed 30209399 (cited by Labcorp Genetics (formerly Invitae), Labcorp and Ambry Genetics); PubMed 30458859 (cited by Labcorp Genetics (formerly Invitae), Labcorp and Ambry Genetics).